The following is an entry in ClinVar:

NM_013447.4(ADGRE2):c.308T>C (p.Val103Ala)

Gene: ADGRE2 (adhesion G protein-coupled receptor E2; minus strand). Cytogenetic location: 19p13.12.
Variant type: single nucleotide variant.
Coding change: c.308T>C on transcript NM_013447.4 (MANE Select); coding-DNA position 308, T replaced by C.
Protein change: p.Val103Ala; replaces valine 103 with alanine.
Molecular consequence: missense variant.
Genome position (GRCh38, 1-based): chr19:14,772,389, A>G on the plus strand (T>C on the coding strand, the complement: ADGRE2 is on the minus strand). VCF-style: chr19-14772389-A-G. GRCh37 (hg19) VCF-style: chr19-14883201-A-G.
Other names: c.308T>C, p.Val103Ala (NM_001271052.1, NM_152916.2, NM_152917.2); short protein forms V103A.
Identifiers: ClinVar variation 4735574 (VCV004735574.1).

ClinVar aggregate classification (germline): Uncertain significance (1 of 4 stars; one submission).

Submission:

Labcorp Genetics (formerly Invitae), Labcorp
Classification: Uncertain significance. Last evaluated: 2026-01-17. Review status: criteria provided, single submitter. Criteria: Invitae Variant Classification Sherloc (09022015). Collection method: clinical testing. Allele origin: germline.
Comment: This sequence change replaces valine, which is neutral and non-polar, with alanine, which is neutral and non-polar, at codon 103 of the ADGRE2 protein (p.Val103Ala). This variant is not present in population databases (gnomAD no frequency). This variant has not been reported in the literature in individuals affected with ADGRE2-related conditions. An algorithm developed to predict the effect of missense changes on protein structure and function outputs the following: PolyPhen-2: "Benign". The alanine amino acid residue is found in multiple mammalian species, which suggests that this missense change does not adversely affect protein function. In summary, the available evidence is currently insufficient to determine the role of this variant in disease. Therefore, it has been classified as a Variant of Uncertain Significance.